The following is an entry in ClinVar:

ClinVar aggregate classification (germline): Uncertain significance (1 of 4 stars; one submission).

Allele frequency attached by ClinVar (database versions not stated): gnomAD 0.00001; TOPMed 0.00002.
gnomAD v4.1: 4 of 1,612,768 alleles (0.00025%); highest among the groups gnomAD compares: African/African-American, 0.0027%; no homozygotes.

Submission:

Labcorp Genetics (formerly Invitae), Labcorp
Classification: Uncertain significance. Last evaluated: 2023-06-15. Review status: criteria provided, single submitter. Criteria: Invitae Variant Classification Sherloc (09022015). Collection method: clinical testing. Allele origin: germline.
Comment: In summary, the available evidence is currently insufficient to determine the role of this variant in disease. Therefore, it has been classified as a Variant of Uncertain Significance. Advanced modeling of protein sequence and biophysical properties (such as structural, functional, and spatial information, amino acid conservation, physicochemical variation, residue mobility, and thermodynamic stability) has been performed at Invitae for this missense variant, however the output from this modeling did not meet the statistical confidence thresholds required to predict the impact of this variant on FGFR3 protein function. This variant has not been reported in the literature in individuals affected with FGFR3-related conditions. This variant is present in population databases (rs767787097, gnomAD 0.007%). This sequence change replaces isoleucine, which is neutral and non-polar, with threonine, which is neutral and polar, at codon 376 of the FGFR3 protein (p.Ile376Thr).

NM_000142.5(FGFR3):c.1127T>C (p.Ile376Thr)

Gene: FGFR3 (fibroblast growth factor receptor 3; plus strand). Cytogenetic location: 4p16.3.
Variant type: single nucleotide variant.
Coding change: c.1127T>C on transcript NM_000142.5 (MANE Select); coding-DNA position 1127, T replaced by C.
Protein change: p.Ile376Thr; replaces isoleucine 376 with threonine.
Molecular consequence: missense variant. On other transcripts: non-coding transcript variant (1), intron variant (1).
Genome position (GRCh38, 1-based): chr4:1,804,381, T>C. VCF-style: chr4-1804381-T-C. GRCh37 (hg19) VCF-style: chr4-1806108-T-C.
Other names: c.1133T>C, p.Ile378Thr (NM_001163213.2); c.1127T>C, p.Ile376Thr (NM_001354809.2, NM_001354810.2); c.931-443T>C (NM_022965.4); short protein forms I376T, I378T.
Identifiers: ClinVar variation 3003722 (VCV003003722.3), dbSNP rs767787097, ClinGen allele CA2810266.